The following is an entry in ClinVar:

NM_004370.6(COL12A1):c.4712A>T (p.Asp1571Val)

Gene: COL12A1 (collagen type XII alpha 1 chain; minus strand). Cytogenetic location: 6q13.
Variant type: single nucleotide variant.
Coding change: c.4712A>T on transcript NM_004370.6 (MANE Select); coding-DNA position 4712, A replaced by T.
Protein change: p.Asp1571Val; replaces aspartic acid 1571 with valine.
Molecular consequence: missense variant.
Genome position (GRCh38, 1-based): chr6:75,143,367, T>A on the plus strand (A>T on the coding strand, the complement: COL12A1 is on the minus strand). VCF-style: chr6-75143367-T-A. GRCh37 (hg19) VCF-style: chr6-75853083-T-A.
Other names: c.4712A>T, p.Asp1571Val (NM_001424113.1, NM_001424114.1); c.4439A>T, p.Asp1480Val (NM_001424115.1); c.1220A>T, p.Asp407Val (NM_001424116.1, NM_080645.3); short protein forms D1480V, D1571V, D407V.
Identifiers: ClinVar variation 4782576 (VCV004782576.1).

ClinVar aggregate classification (germline): Uncertain significance (1 of 4 stars; one submission).

Conditions:
Ullrich congenital muscular dystrophy 2 (UCMD2). Identifiers: Orphanet 75840, MedGen C4225314, MONDO:0014654, OMIM 616470.
Bethlem myopathy 2 (BTHLM2). Identifiers: Orphanet 536516, Orphanet 610, MedGen C4225313, MONDO:0034022, OMIM 616471.

Submission:

Labcorp Genetics (formerly Invitae), Labcorp
Classification: Uncertain significance for Bethlem myopathy 2; Ullrich congenital muscular dystrophy 2. Last evaluated: 2025-03-13. Review status: criteria provided, single submitter. Criteria: Invitae Variant Classification Sherloc (09022015). Collection method: clinical testing. Allele origin: germline.
Comment: This sequence change replaces aspartic acid, which is acidic and polar, with valine, which is neutral and non-polar, at codon 1571 of the COL12A1 protein (p.Asp1571Val). This variant is not present in population databases (gnomAD no frequency). This variant has not been reported in the literature in individuals affected with COL12A1-related conditions. Invitae Evidence Modeling of protein sequence and biophysical properties (such as structural, functional, and spatial information, amino acid conservation, physicochemical variation, residue mobility, and thermodynamic stability) indicates that this missense variant is not expected to disrupt COL12A1 protein function with a negative predictive value of 80%. In summary, the available evidence is currently insufficient to determine the role of this variant in disease. Therefore, it has been classified as a Variant of Uncertain Significance.